The following is an entry in ClinVar:

ClinVar aggregate classification (germline): Benign (0 of 4 stars; one submission).

Conditions:
CCNK-related disorder. Also called: CCNK-related condition.

Allele frequency attached by ClinVar (database versions not stated): ESP Exome Variant Server 0.00034; gnomAD 0.00386; 1000 Genomes Project 30x 0.00484; TOPMed 0.00529; 1000 Genomes Project 0.00559; ExAC 0.00717.
gnomAD v4.1: 4,329 of 1,548,782 alleles (0.28%); highest among the groups gnomAD compares: East Asian, 3.9%; 102 homozygotes.

Submission:

PreventionGenetics, part of Exact Sciences
Classification: Benign for CCNK-related condition. Last evaluated: 2019-09-30. Review status: no assertion criteria provided. Collection method: clinical testing. Allele origin: germline.
Comment: This variant is classified as benign based on ACMG/AMP sequence variant interpretation guidelines (Richards et al. 2015 PMID: 25741868, with internal and published modifications).

NM_001099402.2(CCNK):c.495A>T (p.Leu165=)

Genes: CCDC85C (coiled-coil domain containing 85C; minus strand), CCNK (cyclin K; plus strand). Cytogenetic location: 14q32.2.
Variant type: single nucleotide variant.
Coding change: c.495A>T on transcript NM_001099402.2 (MANE Select); coding-DNA position 495, A replaced by T.
Protein change: p.Leu165=; no amino-acid change (leucine 165 retained).
Molecular consequence: synonymous variant. On other transcripts: 3 prime UTR variant (1).
Genome position (GRCh38, 1-based): chr14:99,500,849, A>T. VCF-style: chr14-99500849-A-T. GRCh37 (hg19) VCF-style: chr14-99967186-A-T.
Other names: c.*14397T>A (NM_001144995.2).
Identifiers: ClinVar variation 3039124 (VCV003039124.2), dbSNP rs2069493, ClinGen allele CA7340632.